The following is an entry in ClinVar:

NM_182961.4(SYNE1):c.14917C>G (p.Leu4973Val)

Gene: SYNE1 (spectrin repeat containing nuclear envelope protein 1; minus strand). Cytogenetic location: 6q25.2.
Variant type: single nucleotide variant.
Coding change: c.14917C>G on transcript NM_182961.4 (MANE Select); coding-DNA position 14917, C replaced by G.
Protein change: p.Leu4973Val; replaces leucine 4973 with valine.
Molecular consequence: missense variant.
Genome position (GRCh38, 1-based): chr6:152,329,768, G>C on the plus strand (C>G on the coding strand, the complement: SYNE1 is on the minus strand). VCF-style: chr6-152329768-G-C. GRCh37 (hg19) VCF-style: chr6-152650903-G-C.
Other names: c.14704C>G, p.Leu4902Val (NM_033071.5); short protein forms L4902V, L4973V.
Identifiers: ClinVar variation 1413921 (VCV001413921.6), dbSNP rs35085679, ClinGen allele CA150175385.

ClinVar aggregate classification (germline): Uncertain significance (1 of 4 stars; one submission).

Conditions:
Emery-Dreifuss muscular dystrophy 4, autosomal dominant (EDMD4). Also called: EMERY-DREIFUSS MUSCULAR DYSTROPHY 4 WITH VARIABLE FEATURES. Identifiers: Orphanet 261, MedGen C2751807, MONDO:0013071, OMIM 612998.
Autosomal recessive ataxia, Beauce type. Also called: Spinocerebellar ataxia, autosomal recessive 8; ATAXIA, RECESSIVE, OF BEAUCE; SYNE1 Deficiency; SYNE1-Related Autosomal Recessive Cerebellar Ataxia. Identifiers: Orphanet 88644, MedGen C1853116, MONDO:0012549, OMIM 610743.

Submission:

Labcorp Genetics (formerly Invitae), Labcorp
Classification: Uncertain significance for Emery-Dreifuss muscular dystrophy 4, autosomal dominant; Autosomal recessive ataxia, Beauce type. Last evaluated: 2021-11-21. Review status: criteria provided, single submitter. Criteria: Invitae Variant Classification Sherloc (09022015). Collection method: clinical testing. Allele origin: germline.
Comment: In summary, the available evidence is currently insufficient to determine the role of this variant in disease. Therefore, it has been classified as a Variant of Uncertain Significance. Algorithms developed to predict the effect of sequence changes on RNA splicing suggest that this variant may create or strengthen a splice site. Algorithms developed to predict the effect of missense changes on protein structure and function (SIFT, PolyPhen-2, Align-GVGD) all suggest that this variant is likely to be disruptive. This variant has not been reported in the literature in individuals affected with SYNE1-related conditions. This variant is not present in population databases (gnomAD no frequency). This sequence change replaces leucine, which is neutral and non-polar, with valine, which is neutral and non-polar, at codon 4902 of the SYNE1 protein (p.Leu4902Val).